The following is an entry in ClinVar:

NM_016729.3(FOLR1):c.156G>C (p.Lys52Asn)

Genes: FOLR1 (folate receptor alpha; plus strand), FOLR1-AS1 (FOLR1 antisense RNA 1; minus strand). Cytogenetic location: 11q13.4.
Variant type: single nucleotide variant.
Coding change: c.156G>C on transcript NM_016729.3 (MANE Select); coding-DNA position 156, G replaced by C.
Protein change: p.Lys52Asn; replaces lysine 52 with asparagine.
Molecular consequence: missense variant.
Genome position (GRCh38, 1-based): chr11:72,192,329, G>C. VCF-style: chr11-72192329-G-C. GRCh37 (hg19) VCF-style: chr11-71903373-G-C.
Other names: c.156G>C, p.Lys52Asn (NM_000802.3, NM_016724.3, NM_016725.3); short protein forms K52N.
Identifiers: ClinVar variation 1388118 (VCV001388118.8), dbSNP rs2135385560, ClinGen allele CA381729989.

ClinVar aggregate classification (germline): Uncertain significance (1 of 4 stars; one submission).

Conditions:
Cerebral folate transport deficiency. Also called: FOLATE RECEPTOR DEFICIENCY; NEURODEGENERATION DUE TO CEREBRAL FOLATE TRANSPORT DEFICIENCY; Neurodegenerative syndrome due to cerebral folate transport deficiency; FOLR1-Related Cerebral Folate Transport Deficiency; Cerebral folate deficiency syndrome. Identifiers: Orphanet 217382, MedGen C2751584, MONDO:0013110, OMIM 613068. Disease mechanism: loss of function.

Submission:

Labcorp Genetics (formerly Invitae), Labcorp
Classification: Uncertain significance for Cerebral folate transport deficiency. Last evaluated: 2022-02-10. Review status: criteria provided, single submitter. Criteria: Invitae Variant Classification Sherloc (09022015). Collection method: clinical testing. Allele origin: germline.
Comment: In summary, the available evidence is currently insufficient to determine the role of this variant in disease. Therefore, it has been classified as a Variant of Uncertain Significance. Algorithms developed to predict the effect of missense changes on protein structure and function output the following: SIFT: "Tolerated"; PolyPhen-2: "Benign"; Align-GVGD: "Class C0". The asparagine amino acid residue is found in multiple mammalian species, which suggests that this missense change does not adversely affect protein function. This variant has not been reported in the literature in individuals affected with FOLR1-related conditions. This variant is not present in population databases (gnomAD no frequency). This sequence change replaces lysine, which is basic and polar, with asparagine, which is neutral and polar, at codon 52 of the FOLR1 protein (p.Lys52Asn).